The following is an entry in ClinVar:

NM_000543.5(SMPD1):c.847G>A (p.Ala283Thr)

Gene: SMPD1 (sphingomyelin phosphodiesterase 1; plus strand). Cytogenetic location: 11p15.4.
Variant type: single nucleotide variant.
Coding change: c.847G>A on transcript NM_000543.5 (MANE Select); coding-DNA position 847, G replaced by A.
Protein change: p.Ala283Thr; replaces alanine 283 with threonine.
Molecular consequence: missense variant. On other transcripts: 5 prime UTR variant (1), non-coding transcript variant (1).
Genome position (GRCh38, 1-based): chr11:6,391,912, G>A. VCF-style: chr11-6391912-G-A. GRCh37 (hg19) VCF-style: chr11-6413142-G-A.
Other names: c.844G>A, p.Ala282Thr (NM_001007593.3); c.847G>A, p.Ala283Thr (NM_001318087.2, NM_001365135.2); c.-115G>A (NM_001318088.2); short protein forms A282T, A283T.
Identifiers: ClinVar variation 813478 (VCV000813478.11), dbSNP rs752148586, ClinGen allele CA5852695.

ClinVar aggregate classification (germline): Pathogenic. Review status: criteria provided, multiple submitters, no conflicts (2 of 4 stars). 4 submissions from 4 submitters: Pathogenic (3). 1 of the submissions does not count toward it. Last evaluated 2025-09-05.

Conditions:
Niemann-Pick disease, type A. Also called: Infantile Neurovisceral ASMD (Niemann-Pick Disease Type A; NPD-A); SPHINGOMYELIN LIPIDOSIS; SPHINGOMYELINASE DEFICIENCY. Identifiers: Orphanet 77292, MedGen C0268242, MONDO:0009756, OMIM 257200. Disease mechanism: loss of function.
Niemann-Pick disease, type B. Also called: Chronic Visceral ASMD (Niemann-Pick Disease Type B; NPD-B). Identifiers: Orphanet 77293, MedGen C0268243, MONDO:0011871, OMIM 607616. Disease mechanism: loss of function.

Allele frequency attached by ClinVar (database versions not stated): TOPMed below 0.00001; gnomAD 0.00002.

Submissions (4):

Natera, Inc.
Classification: Pathogenic for Niemann-Pick Disease, Types A/B. Last evaluated: 2025-09-05. Review status: criteria provided, single submitter. Criteria: Natera Variant Classification Schema (03/2026). Collection method: clinical testing. Allele origin: germline.
Comment: The c.847G>A variant in SMPD1 is a missense variant predicted to cause substitution of alanine to threonine at amino acid 283. This variant is rare in the general population with a frequency below the threshold expected for the associated phenotype(s). This variant has been observed in one or more individuals affected with the associated recessive disease, as either homozygous or compound heterozygous with a second variant (PMID: 32860008, 33675270, 15241805). Additionally, this variant has been observed to segregate in affected family members (PMID: 15241805). Functional studies show that this variant may disrupt protein function (PMID: 16010684). Computational prediction algorithms indicate this variant is likely to affect gene or protein function. Given the available evidence, this variant is classified as Pathogenic.

Labcorp Genetics (formerly Invitae), Labcorp
Classification: Pathogenic for Niemann-Pick disease, type B; Niemann-Pick disease, type A. Last evaluated: 2023-08-29. Review status: criteria provided, single submitter. Criteria: Invitae Variant Classification Sherloc (09022015). Collection method: clinical testing. Allele origin: germline.
Comment: For these reasons, this variant has been classified as Pathogenic. Experimental studies have shown that this missense change affects SMPD1 function (PMID: 16010684). Advanced modeling of protein sequence and biophysical properties (such as structural, functional, and spatial information, amino acid conservation, physicochemical variation, residue mobility, and thermodynamic stability) performed at Invitae indicates that this missense variant is expected to disrupt SMPD1 protein function. ClinVar contains an entry for this variant (Variation ID: 813478). This variant is also known as A281T. This missense change has been observed in individual(s) with acid sphingomyelinase deficiency (PMID: 15241805, 32860008, 33675270). This variant is present in population databases (rs752148586, gnomAD 0.01%). This sequence change replaces alanine, which is neutral and non-polar, with threonine, which is neutral and polar, at codon 283 of the SMPD1 protein (p.Ala283Thr).

CENTOGENE GmbH and LLC - Guiding Precision Medicine
Classification: Pathogenic for Niemann-Pick disease, type B. Review status: criteria provided, single submitter. Criteria: ACMG Guidelines, 2015. Collection method: clinical testing. Allele origin: germline. Affected: yes.

Baylor Genetics
Classification: Pathogenic for Niemann-Pick disease, type A. Last evaluated: 2022-01-28. Review status: no assertion criteria provided. Collection method: clinical testing. Allele origin: unknown. Not counted in ClinVar's aggregate classification.

Literature cited by the submitters: PubMed 32860008 (cited by 3 submitters); PubMed 33675270 (cited by Natera, Inc. and Labcorp Genetics (formerly Invitae), Labcorp); PubMed 15241805 (cited by 3 submitters); PubMed 16010684 (cited by 3 submitters).